The following is an entry in ClinVar:

NM_005051.3(QARS1):c.1164+3G>A

Gene: QARS1 (glutaminyl-tRNA synthetase 1; minus strand). Cytogenetic location: 3p21.31.
Variant type: single nucleotide variant.
Coding change: c.1164+3G>A on transcript NM_005051.3 (MANE Select); 3 bases into the intron after coding-DNA position 1164, G replaced by A.
Molecular consequence: intron variant.
Genome position (GRCh38, 1-based): chr3:49,100,187, C>T on the plus strand (G>A on the coding strand, the complement: QARS1 is on the minus strand). VCF-style: chr3-49100187-C-T. GRCh37 (hg19) VCF-style: chr3-49137620-C-T.
Other names: c.1131+3G>A (NM_001272073.2).
Identifiers: ClinVar variation 1985793 (VCV001985793.4), dbSNP rs2471851137, ClinGen allele CA2580070060.

ClinVar aggregate classification (germline): Uncertain significance (1 of 4 stars; one submission).

Conditions:
Diffuse cerebral and cerebellar atrophy - intractable seizures - progressive microcephaly syndrome. Also called: Microcephaly, progressive, with seizures and cerebral and cerebellar atrophy. Identifiers: Orphanet 404437, MedGen C4014239, MONDO:0014335, OMIM 615760.

gnomAD v4.1: 6 of 1,614,238 alleles (0.00037%); highest among the groups gnomAD compares: Non-Finnish European, 0.00042%; no homozygotes.

Submission:

Labcorp Genetics (formerly Invitae), Labcorp
Classification: Uncertain significance for Diffuse cerebral and cerebellar atrophy - intractable seizures - progressive microcephaly syndrome. Last evaluated: 2022-11-15. Review status: criteria provided, single submitter. Criteria: Invitae Variant Classification Sherloc (09022015). Collection method: clinical testing. Allele origin: germline.
Comment: In summary, the available evidence is currently insufficient to determine the role of this variant in disease. Therefore, it has been classified as a Variant of Uncertain Significance. Variants that disrupt the consensus splice site are a relatively common cause of aberrant splicing (PMID: 17576681, 9536098). Algorithms developed to predict the effect of sequence changes on RNA splicing suggest that this variant may create or strengthen a splice site. This variant has not been reported in the literature in individuals affected with QARS-related conditions. This variant is not present in population databases (gnomAD no frequency). This sequence change falls in intron 13 of the QARS gene. It does not directly change the encoded amino acid sequence of the QARS protein. It affects a nucleotide within the consensus splice site.

Literature cited by the submitters: PubMed 17576681; PubMed 9536098.